The following is an entry in ClinVar:

ClinVar aggregate classification (germline): Benign/Likely benign. Review status: criteria provided, multiple submitters, no conflicts (2 of 4 stars). 10 submissions from 10 submitters: Benign (3); Likely benign (5). 2 of the submissions do not count toward it. Last evaluated 2026-08-01.

Conditions:
Inborn genetic diseases. Identifiers: MedGen C0950123, MeSH D030342.
Developmental and epileptic encephalopathy, 25 (DEE25). Also called: Developmental and epileptic encephalopathy 25, with amelogenesis imperfecta; Epileptic encephalopathy, early infantile, 25, with amelogenesis imperfecta; Epileptic encephalopathy, early infantile, 25. Identifiers: Orphanet 442835, MedGen C4014621, MONDO:0014392, OMIM 615905.

Allele frequency attached by ClinVar (database versions not stated): 1000 Genomes Project 0.00120; 1000 Genomes Project 30x 0.00141; ExAC 0.00229; TOPMed 0.00231; gnomAD 0.00241 and 0.00250; ESP Exome Variant Server 0.00308.
gnomAD v4.1: 4,571 of 1,613,156 alleles (0.28%); highest among the groups gnomAD compares: Non-Finnish European, 0.35%; 10 homozygotes.

Submissions (10):

CeGaT Center for Human Genetics Tuebingen
Classification: Likely benign. Last evaluated: 2026-08-01. Review status: criteria provided, single submitter. Criteria: CeGaT Center For Human Genetics Tuebingen Variant Classification Criteria Version 2. Collection method: clinical testing. Allele origin: germline. Affected: yes. Observed: 39 variant alleles.
Comment: SLC13A5: BP4, BP7

Labcorp Genetics (formerly Invitae), Labcorp
Classification: Benign for Developmental and epileptic encephalopathy, 25. Last evaluated: 2026-02-02. Review status: criteria provided, single submitter. Criteria: Invitae Variant Classification Sherloc (09022015). Collection method: clinical testing. Allele origin: germline.

ARUP Laboratories, Molecular Genetics and Genomics, ARUP Laboratories
Classification: Benign for Developmental and epileptic encephalopathy, 25. Last evaluated: 2025-03-13. Review status: criteria provided, single submitter. Criteria: ARUP Molecular Germline Variant Investigation Process 2024. Collection method: clinical testing. Allele origin: germline.

Blueprint Genetics
Classification: Likely benign. Last evaluated: 2024-11-22. Review status: criteria provided, single submitter. Criteria: ACMG Guidelines, 2015. Collection method: clinical testing. Allele origin: germline.

Genome-Nilou Lab
Classification: Benign for Developmental and epileptic encephalopathy, 25. Last evaluated: 2021-07-15. Review status: criteria provided, single submitter. Criteria: ACMG Guidelines, 2015. Collection method: clinical testing. Allele origin: germline. Affected: no.

GeneDx
Classification: Likely benign. Last evaluated: 2018-02-01. Review status: criteria provided, single submitter. Criteria: GeneDx Variant Classification (06012015). Collection method: clinical testing. Allele origin: germline. Affected: yes.
Comment: This variant is considered likely benign or benign based on one or more of the following criteria: it is a conservative change, it occurs at a poorly conserved position in the protein, it is predicted to be benign by multiple in silico algorithms, and/or has population frequency not consistent with disease.

Ambry Genetics
Classification: Likely benign for Inborn genetic diseases. Last evaluated: 2016-11-08. Review status: criteria provided, single submitter. Criteria: Ambry Variant Classification Scheme 2023. Collection method: clinical testing. Allele origin: germline.

Breakthrough Genomics
Classification: Likely benign. Review status: criteria provided, single submitter. Criteria: ACMG Guidelines, 2015. Collection method: not provided. Allele origin: germline. Inheritance: Autosomal recessive inheritance. Affected: yes.

Clinical Genetics DNA and cytogenetics Diagnostics Lab, Erasmus MC, Erasmus Medical Center
Classification: Likely benign. Review status: no assertion criteria provided. Collection method: clinical testing. Allele origin: germline. Affected: yes. Study: VKGL Data-share Consensus. Not counted in ClinVar's aggregate classification.

Genome Diagnostics Laboratory, University Medical Center Utrecht
Classification: Likely benign. Review status: no assertion criteria provided. Collection method: clinical testing. Allele origin: germline. Affected: yes. Study: VKGL Data-share Consensus. Not counted in ClinVar's aggregate classification.

NM_177550.5(SLC13A5):c.426G>A (p.Thr142=)

Gene: SLC13A5 (solute carrier family 13 member 5; minus strand). Cytogenetic location: 17p13.1.
Variant type: single nucleotide variant.
Coding change: c.426G>A on transcript NM_177550.5 (MANE Select); coding-DNA position 426, G replaced by A.
Protein change: p.Thr142=; no amino-acid change (threonine 142 retained).
Molecular consequence: synonymous variant.
Genome position (GRCh38, 1-based): chr17:6,703,999, C>T on the plus strand (G>A on the coding strand, the complement: SLC13A5 is on the minus strand). VCF-style: chr17-6703999-C-T. GRCh37 (hg19) VCF-style: chr17-6607318-C-T.
Other names: c.426G>A, p.Thr142= (NM_001143838.3); c.375G>A, p.Thr125= (NM_001284509.2); c.297G>A, p.Thr99= (NM_001284510.2).
Identifiers: ClinVar variation 380898 (VCV000380898.53), dbSNP rs72836208, ClinGen allele CA8331719.
Genomic context (GRCh38, chr17:6,703,999, plus strand): 5'-TGTGGCTTCCATCTGCTGCAATATGGCCTCCACGATGGGCACCATCATGGCCGTGGTTGC[C>T]GTGTTACTGATCCACATGGACAGGAGGGCTGTGACGCCCATGAAGCCCAGCATCAGCCTG-3'
Protein context (NP_808218.1, residues 132-152): TALLSMWISN[Thr142=]ATTAMMVPIV